The following is an entry in ClinVar:

ClinVar aggregate classification (germline): Uncertain significance (1 of 4 stars; one submission).

Conditions:
Leber congenital amaurosis 6 (LCA6). Identifiers: Orphanet 65, MedGen C1854260, MONDO:0013446, OMIM 613826.
Cone-rod dystrophy 13 (CORD13). Identifiers: Orphanet 1872, MedGen C2750720, MONDO:0011987, OMIM 608194.

gnomAD v4.1: 1 of 1,594,864 alleles (0.000063%); highest among the groups gnomAD compares: East Asian, 0.0023%; no homozygotes.

Submission:

Labcorp Genetics (formerly Invitae), Labcorp
Classification: Uncertain significance for Leber congenital amaurosis 6; Cone-rod dystrophy 13. Last evaluated: 2024-11-05. Review status: criteria provided, single submitter. Criteria: Invitae Variant Classification Sherloc (09022015). Collection method: clinical testing. Allele origin: germline.
Comment: This sequence change replaces proline, which is neutral and non-polar, with leucine, which is neutral and non-polar, at codon 141 of the RPGRIP1 protein (p.Pro141Leu). This variant is present in population databases (no rsID available, gnomAD 0.06%). This variant has not been reported in the literature in individuals affected with RPGRIP1-related conditions. Invitae Evidence Modeling of protein sequence and biophysical properties (such as structural, functional, and spatial information, amino acid conservation, physicochemical variation, residue mobility, and thermodynamic stability) indicates that this missense variant is not expected to disrupt RPGRIP1 protein function with a negative predictive value of 80%. In summary, the available evidence is currently insufficient to determine the role of this variant in disease. Therefore, it has been classified as a Variant of Uncertain Significance.

NM_020366.4(RPGRIP1):c.422C>T (p.Pro141Leu)

Gene: RPGRIP1 (RPGR interacting protein 1; plus strand). Cytogenetic location: 14q11.2.
Variant type: single nucleotide variant.
Coding change: c.422C>T on transcript NM_020366.4 (MANE Select); coding-DNA position 422, C replaced by T.
Protein change: p.Pro141Leu; replaces proline 141 with leucine.
Molecular consequence: missense variant.
Genome position (GRCh38, 1-based): chr14:21,301,169, C>T. VCF-style: chr14-21301169-C-T. GRCh37 (hg19) VCF-style: chr14-21769328-C-T.
Other names: short protein forms P141L.
Identifiers: ClinVar variation 3751351 (VCV003751351.2).